The following is an entry in ClinVar:

NM_001271.4(CHD2):c.4466C>T (p.Pro1489Leu)

Gene: CHD2 (chromodomain helicase DNA binding protein 2; plus strand). Cytogenetic location: 15q26.1.
Variant type: single nucleotide variant.
Coding change: c.4466C>T on transcript NM_001271.4 (MANE Select); coding-DNA position 4466, C replaced by T.
Protein change: p.Pro1489Leu; replaces proline 1489 with leucine.
Molecular consequence: missense variant.
Genome position (GRCh38, 1-based): chr15:93,009,197, C>T. VCF-style: chr15-93009197-C-T. GRCh37 (hg19) VCF-style: chr15-93552427-C-T.
Other names: short protein forms P1489L.
Identifiers: ClinVar variation 2574816 (VCV002574816.1), dbSNP rs2505617404, ClinGen allele CA393904422.

ClinVar aggregate classification (germline): Uncertain significance (1 of 4 stars; one submission).

Submission:

GeneDx
Classification: Uncertain significance. Last evaluated: 2023-02-01. Review status: criteria provided, single submitter. Criteria: GeneDx Variant Classification Process June 2021. Collection method: clinical testing. Allele origin: germline. Affected: yes.
Comment: Not observed at significant frequency in large population cohorts (gnomAD); In silico analysis supports that this missense variant has a deleterious effect on protein structure/function; Has not been previously published as pathogenic or benign to our knowledge